The following is an entry in ClinVar:

ClinVar aggregate classification (germline): Pathogenic/Likely pathogenic. Review status: criteria provided, multiple submitters, no conflicts (2 of 4 stars). 2 submissions from 2 submitters: Pathogenic (1); Likely pathogenic (1). Last evaluated 2024-03-03.

Conditions:
Miyoshi muscular dystrophy 1 (MMD1). Identifiers: Orphanet 45448, MedGen C4551973, MONDO:0024545, OMIM 254130.

Submissions (2):

Baylor Genetics
Classification: Likely pathogenic for Miyoshi muscular dystrophy 1. Last evaluated: 2024-03-03. Review status: criteria provided, single submitter. Criteria: ACMG Guidelines, 2015. Collection method: clinical testing. Allele origin: unknown.

GeneDx
Classification: Pathogenic. Last evaluated: 2017-12-27. Review status: criteria provided, single submitter. Criteria: GeneDx Variant Classification (06012015). Collection method: clinical testing. Allele origin: germline. Affected: yes.
Comment: The c.5429+2 T>A splice site variant in the DYSF gene destroys the canonical splice donor site in intron 48. It is predicted to cause abnormal gene splicing, either leading to an abnormal message that is subject to nonsense-mediated mRNA decay, or to an abnormal protein product if the message is used for protein translation. This variant is not observed in large population cohorts (Lek et al., 2016). Although the c.5429+2 T>A variant has not been published as a pathogenic variant to our knowledge, other loss-of-function variants in the DYSF gene have been reported in the Human Gene Mutation Database in association with DYSF-related disorders (Stenson et al., 2014).

NM_001130987.2(DYSF):c.5546+2T>A

Gene: DYSF (dysferlin; plus strand). Cytogenetic location: 2p13.2.
Variant type: single nucleotide variant.
Coding change: c.5546+2T>A on transcript NM_001130987.2 (MANE Select); the canonical splice donor site of the intron after coding-DNA position 5546, T replaced by A.
Molecular consequence: splice donor variant.
Genome position (GRCh38, 1-based): chr2:71,668,844, T>A. VCF-style: chr2-71668844-T-A. GRCh37 (hg19) VCF-style: chr2-71895974-T-A.
Other names: c.5522+2T>A (NM_001130979.2); c.5543+2T>A (NM_001130981.2); c.5480+2T>A (NM_001130980.2); c.5492+2T>A (NM_001130978.2); c.5429+2T>A (NM_003494.4); c.5450+2T>A (NM_001130977.2); c.5387+2T>A (NM_001130976.2); c.5525+2T>A (NM_001130982.2); and 5 more.
Identifiers: ClinVar variation 489283 (VCV000489283.3), dbSNP rs1553415233, ClinGen allele CA347222015.